The following is an entry in ClinVar:

NM_007194.4(CHEK2):c.491G>A (p.Ser164Asn)

Gene: CHEK2 (checkpoint kinase 2; minus strand). Cytogenetic location: 22q12.1.
Variant type: single nucleotide variant.
Coding change: c.491G>A on transcript NM_007194.4 (MANE Select); coding-DNA position 491, G replaced by A.
Protein change: p.Ser164Asn; replaces serine 164 with asparagine.
Molecular consequence: missense variant. On other transcripts: 5 prime UTR variant (2), intron variant (1).
Genome position (GRCh38, 1-based): chr22:28,725,078, C>T on the plus strand (G>A on the coding strand, the complement: CHEK2 is on the minus strand). VCF-style: chr22-28725078-C-T. GRCh37 (hg19) VCF-style: chr22-29121066-C-T.
Other names: c.620G>A, p.Ser207Asn (NM_001005735.3, NM_001438294.1); c.-287G>A (NM_001257387.3); c.-173G>A (NM_001437942.1); c.584G>A, p.Ser195Asn (NM_001438293.1, NM_001438295.1); c.491G>A, p.Ser164Asn (NM_145862.3); c.445-155G>A (NM_001349956.3); short protein forms S164N, S207N, S195N.
Identifiers: ClinVar variation 1015354 (VCV001015354.12), dbSNP rs1555926921, ClinGen allele CA411107517.

ClinVar aggregate classification (germline): Uncertain significance. Review status: criteria provided, multiple submitters, no conflicts (2 of 4 stars). 2 submissions from 2 submitters: Uncertain significance (2). Last evaluated 2020-03-19.

Conditions:
Hereditary cancer-predisposing syndrome. Also called: Hereditary Cancer Syndrome; Tumor predisposition; Neoplastic Syndromes, Hereditary; Hereditary neoplastic syndrome. Identifiers: Orphanet 140162, MedGen C0027672, MeSH D009386, MONDO:0015356.
Familial cancer of breast. Also called: BREAST CANCER, FAMILIAL; Hereditary breast cancer; hereditary breast carcinoma. Identifiers: Orphanet 227535, MedGen C0346153, MONDO:0016419, OMIM 114480. Disease mechanism: loss of function.

Submissions (2):

Labcorp Genetics (formerly Invitae), Labcorp
Classification: Uncertain significance for Familial cancer of breast. Last evaluated: 2020-03-19. Review status: criteria provided, single submitter. Criteria: Invitae Variant Classification Sherloc (09022015). Collection method: clinical testing. Allele origin: germline.
Comment: This sequence change replaces serine with asparagine at codon 164 of the CHEK2 protein (p.Ser164Asn). The serine residue is highly conserved and there is a small physicochemical difference between serine and asparagine. In summary, the available evidence is currently insufficient to determine the role of this variant in disease. Therefore, it has been classified as a Variant of Uncertain Significance. Algorithms developed to predict the effect of missense changes on protein structure and function (SIFT, PolyPhen-2, Align-GVGD) all suggest that this variant is likely to be disruptive, but these predictions have not been confirmed by published functional studies and their clinical significance is uncertain. This variant has not been reported in the literature in individuals with CHEK2-related conditions. This variant is not present in population databases (ExAC no frequency).

Ambry Genetics
Classification: Uncertain significance for Hereditary cancer-predisposing syndrome. Last evaluated: 2017-12-18. Review status: criteria provided, single submitter. Criteria: Ambry Variant Classification Scheme 2023. Collection method: clinical testing. Allele origin: germline.
Comment: The p.S164N variant (also known as c.491G>A), located in coding exon 3 of the CHEK2 gene, results from a G to A substitution at nucleotide position 491. The serine at codon 164 is replaced by asparagine, an amino acid with highly similar properties. This amino acid position is highly conserved in available vertebrate species. In addition, the in silico prediction for this alteration is inconclusive. Since supporting evidence is limited at this time, the clinical significance of this alteration remains unclear.